The following is an entry in ClinVar:

NM_201384.3(PLEC):c.1454G>T (p.Arg485Leu)

Gene: PLEC (plectin; minus strand). Cytogenetic location: 8q24.3.
Variant type: single nucleotide variant.
Coding change: c.1454G>T on transcript NM_201384.3 (MANE Select); coding-DNA position 1454, G replaced by T.
Protein change: p.Arg485Leu; replaces arginine 485 with leucine.
Molecular consequence: missense variant.
Genome position (GRCh38, 1-based): chr8:143,933,076, C>A on the plus strand (G>T on the coding strand, the complement: PLEC is on the minus strand). VCF-style: chr8-143933076-C-A. GRCh37 (hg19) VCF-style: chr8-145007244-C-A.
Other names: c.1535G>T (NM_000445.4); c.1535G>T, p.Arg512Leu (NM_000445.5); c.1412G>T, p.Arg471Leu (NM_201378.4); c.1388G>T, p.Arg463Leu (NM_201379.3); c.1865G>T, p.Arg622Leu (NM_201380.4); c.1358G>T, p.Arg453Leu (NM_201381.3); c.1454G>T, p.Arg485Leu (NM_201382.4); c.1466G>T, p.Arg489Leu (NM_201383.3); short protein forms R453L, R463L, R471L, R485L, R489L, R512L, R622L.
Identifiers: ClinVar variation 448053 (VCV000448053.17), dbSNP rs200328762, ClinGen allele CA4927947.

ClinVar aggregate classification (germline): Uncertain significance. Review status: criteria provided, multiple submitters, no conflicts (2 of 4 stars). 6 submissions from 6 submitters: Uncertain significance (6). Last evaluated 2026-07-20.

Conditions:
PLEC-related disorder. Also called: PLEC-related disorders; PLEC-related condition.
Autosomal recessive limb-girdle muscular dystrophy type 2Q (LGMDR17). Also called: MUSCULAR DYSTROPHY, LIMB-GIRDLE, AUTOSOMAL RECESSIVE 17. Identifiers: Orphanet 254361, MedGen C3150989, MONDO:0013390, OMIM 613723.
Epidermolysis bullosa simplex with nail dystrophy (EBS5D). Identifiers: MedGen C4225309, MONDO:0014661, OMIM 616487.
Epidermolysis bullosa simplex 5C, with pyloric atresia (EBS5C). Also called: PLEC-Related Epidermolysis Bullosa with Pyloric Atresia; Epidermolysis bullosa simplex with pyloric atresia; PLEC1-Related Epidermolysis Bullosa with Pyloric Atresia. Identifiers: Orphanet 158684, MedGen C2677349, MONDO:0012807, OMIM 612138.
Epidermolysis bullosa simplex, Ogna type (EBS5A). Also called: Pidermolysis bullosa simplex 5A, Ogna type; EPIDERMOLYSIS BULLOSA SIMPLEX 5A, OGNA TYPE. Identifiers: Orphanet 79401, MedGen C0432317, MONDO:0007555, OMIM 131950.
Epidermolysis bullosa simplex 5B, with muscular dystrophy (EBS5B). Also called: EPIDERMOLYSIS BULLOSA SIMPLEX AND LIMB-GIRDLE MUSCULAR DYSTROPHY; Epidermolysis bullosa simplex with muscular dystrophy. Identifiers: Orphanet 257, MedGen C2931072, MONDO:0009181, OMIM 226670.
Inborn genetic diseases. Identifiers: MedGen C0950123, MeSH D030342.

Allele frequency attached by ClinVar (database versions not stated): 1000 Genomes Project 30x 0.00109; ESP Exome Variant Server 0.00024; TOPMed 0.00049; 1000 Genomes Project 0.00080.
gnomAD v4.1: 100 of 1,589,546 alleles (0.0063%); highest among the groups gnomAD compares: African/African-American, 0.12%; no homozygotes.

Submissions (6):

PreventionGenetics, part of Exact Sciences
Classification: Uncertain significance for PLEC-related condition. Last evaluated: 2026-07-20. Review status: criteria provided, single submitter. Criteria: ACMG Guidelines, 2015. Collection method: clinical testing. Allele origin: germline.
Comment: The PLEC c.1535G>T variant is predicted to result in the amino acid substitution p.Arg512Leu. To our knowledge, this variant has not been reported in the literature. This variant is reported in 0.11% of alleles in individuals of African descent in gnomAD, which is likely too common for an undocumented disease-causing variant. Although we suspect that this variant may be benign, at this time, the clinical significance of this variant is uncertain due to the absence of conclusive functional and genetic evidence.

Labcorp Genetics (formerly Invitae), Labcorp
Classification: Uncertain significance for Autosomal recessive limb-girdle muscular dystrophy type 2Q; Epidermolysis bullosa simplex, Ogna type; Epidermolysis bullosa simplex with nail dystrophy; Epidermolysis bullosa simplex 5C, with pyloric atresia; Epidermolysis bullosa simplex 5B, with muscular dystrophy. Last evaluated: 2025-12-08. Review status: criteria provided, single submitter. Criteria: Invitae Variant Classification Sherloc (09022015). Collection method: clinical testing. Allele origin: germline.
Comment: This sequence change replaces arginine, which is basic and polar, with leucine, which is neutral and non-polar, at codon 512 of the PLEC protein (p.Arg512Leu). This variant is present in population databases (rs200328762, gnomAD 0.1%). This variant has not been reported in the literature in individuals affected with PLEC-related conditions. ClinVar contains an entry for this variant (Variation ID: 448053). Experimental studies and prediction algorithms are not available or were not evaluated, and the functional significance of this variant is currently unknown. In summary, the available evidence is currently insufficient to determine the role of this variant in disease. Therefore, it has been classified as a Variant of Uncertain Significance.

Ambry Genetics
Classification: Uncertain significance for Inborn genetic diseases. Last evaluated: 2025-08-10. Review status: criteria provided, single submitter. Criteria: Ambry Variant Classification Scheme 2023. Collection method: clinical testing. Allele origin: germline.

Revvity Omics, Revvity
Classification: Uncertain significance. Last evaluated: 2022-11-14. Review status: criteria provided, single submitter. Criteria: ACMG Guidelines, 2015. Collection method: clinical testing. Allele origin: germline.

Eurofins Ntd Llc (ga)
Classification: Uncertain significance. Last evaluated: 2018-03-13. Review status: criteria provided, single submitter. Criteria: EGL ClinVar v180209 classification definitions. Collection method: clinical testing. Allele origin: germline. Observed: 4 variant alleles, 4 heterozygotes.

Athena Diagnostics
Classification: Uncertain significance. Last evaluated: 2017-06-19. Review status: criteria provided, single submitter. Criteria: Athena Diagnostics Criteria. Collection method: clinical testing. Allele origin: germline.